The following is an entry in ClinVar:

ClinVar aggregate classification (germline): Uncertain significance (1 of 4 stars; one submission).

Submission:

Labcorp Genetics (formerly Invitae), Labcorp
Classification: Uncertain significance. Last evaluated: 2019-12-24. Review status: criteria provided, single submitter. Criteria: Invitae Variant Classification Sherloc (09022015). Collection method: clinical testing. Allele origin: germline.
Comment: In summary, the available evidence is currently insufficient to determine the role of this variant in disease. Therefore, it has been classified as a Variant of Uncertain Significance. Algorithms developed to predict the effect of missense changes on protein structure and function (SIFT, PolyPhen-2, Align-GVGD) all suggest that this variant is likely to be tolerated, but these predictions have not been confirmed by published functional studies and their clinical significance is uncertain. This variant has not been reported in the literature in individuals with ADGRV1-related conditions. This variant is not present in population databases (ExAC no frequency). This sequence change replaces phenylalanine with cysteine at codon 5447 of the ADGRV1 protein (p.Phe5447Cys). The phenylalanine residue is weakly conserved and there is a large physicochemical difference between phenylalanine and cysteine.

NM_032119.4(ADGRV1):c.16340T>G (p.Phe5447Cys)

Gene: ADGRV1 (adhesion G protein-coupled receptor V1; plus strand). Cytogenetic location: 5q14.3.
Variant type: single nucleotide variant.
Coding change: c.16340T>G on transcript NM_032119.4 (MANE Select); coding-DNA position 16340, T replaced by G.
Protein change: p.Phe5447Cys; replaces phenylalanine 5447 with cysteine.
Molecular consequence: missense variant. On other transcripts: non-coding transcript variant (1).
Genome position (GRCh38, 1-based): chr5:90,823,568, T>G. VCF-style: chr5-90823568-T-G. GRCh37 (hg19) VCF-style: chr5-90119385-T-G.
Other names: short protein forms F5447C.
Identifiers: ClinVar variation 858620 (VCV000858620.10), dbSNP rs1763802104, ClinGen allele CA360425728.